The following is an entry in ClinVar:

NM_001042492.3(NF1):c.2998C>A (p.Arg1000Ser)

Gene: NF1 (neurofibromin 1; plus strand). Cytogenetic location: 17q11.2.
Variant type: single nucleotide variant.
Coding change: c.2998C>A on transcript NM_001042492.3 (MANE Select); coding-DNA position 2998, C replaced by A.
Protein change: p.Arg1000Ser; replaces arginine 1000 with serine.
Molecular consequence: missense variant.
Genome position (GRCh38, 1-based): chr17:31,230,267, C>A. VCF-style: chr17-31230267-C-A. GRCh37 (hg19) VCF-style: chr17-29557285-C-A.
Other names: c.2998C>A, p.Arg1000Ser (NM_000267.4); short protein forms R1000S.
Identifiers: ClinVar variation 3682242 (VCV003682242.3).
Genomic context (GRCh38, chr17:31,230,267, plus strand): 5'-CTTCTCTTTTGTCTATATCTGATAATTTTTTTATTGTTTCTATGTCTATATAGGTATGTT[C>A]GTGTGCTTGGGAATATGGTCCATGCAATTCAAATAAAAACGAAACTGTGTCAATTAGTTG-3'
Protein context (NP_001035957.1, residues 990-1010): TMMLNLVRYV[Arg1000Ser]VLGNMVHAIQ

ClinVar aggregate classification (germline): Conflicting classifications of pathogenicity. Review status: criteria provided, conflicting classifications (1 of 4 stars). 2 submissions from 2 submitters: Likely pathogenic (1); Uncertain significance (1). Last evaluated 2025-06-22.

Conditions:
Neurofibromatosis, type 1 (NF1). Also called: Neurofibromatosis, type I; Peripheral type neurofibromatosis; VON RECKLINGHAUSEN DISEASE; NEUROFIBROMATOSIS, TYPE I, SOMATIC. Identifiers: Orphanet 636, MedGen C0027831, MONDO:0018975, OMIM 162200. Disease mechanism: loss of function.

Submissions (2):

Labcorp Genetics (formerly Invitae), Labcorp
Classification: Likely pathogenic for Neurofibromatosis, type 1. Last evaluated: 2025-06-22. Review status: criteria provided, single submitter. Criteria: Invitae Variant Classification Sherloc (09022015). Collection method: clinical testing. Allele origin: germline.
Comment: This sequence change replaces arginine, which is basic and polar, with serine, which is neutral and polar, at codon 1000 of the NF1 protein (p.Arg1000Ser). This variant is not present in population databases (gnomAD no frequency). This missense change has been observed in individuals with neurofibromatosis type I (internal data). ClinVar contains an entry for this variant (Variation ID: 3682242). Invitae Evidence Modeling of protein sequence and biophysical properties (such as structural, functional, and spatial information, amino acid conservation, physicochemical variation, residue mobility, and thermodynamic stability) indicates that this missense variant is expected to disrupt NF1 protein function with a positive predictive value of 95%. In summary, the currently available evidence indicates that the variant is pathogenic, but additional data are needed to prove that conclusively. Therefore, this variant has been classified as Likely Pathogenic.

Blueprint Genetics
Classification: Uncertain significance. Last evaluated: 2024-03-01. Review status: criteria provided, single submitter. Criteria: ACMG Guidelines, 2015. Collection method: clinical testing. Allele origin: germline.